The following is an entry in ClinVar:

ClinVar aggregate classification (germline): Uncertain significance (1 of 4 stars; one submission).

Conditions:
Dilated cardiomyopathy 1J (CMD1J). Also called: CARDIOMYOPATHY, DILATED, WITH SENSORINEURAL HEARING LOSS, AUTOSOMAL DOMINANT. Identifiers: Orphanet 217622, MedGen C1854368, MONDO:0011541, OMIM 605362.

Submission:

Labcorp Genetics (formerly Invitae), Labcorp
Classification: Uncertain significance for Dilated cardiomyopathy 1J. Last evaluated: 2020-11-07. Review status: criteria provided, single submitter. Criteria: Invitae Variant Classification Sherloc (09022015). Collection method: clinical testing. Allele origin: germline.
Comment: Algorithms developed to predict the effect of missense changes on protein structure and function (SIFT, PolyPhen-2, Align-GVGD) all suggest that this variant is likely to be tolerated, but these predictions have not been confirmed by published functional studies and their clinical significance is uncertain. This variant has not been reported in the literature in individuals with EYA4-related conditions. In summary, the available evidence is currently insufficient to determine the role of this variant in disease. Therefore, it has been classified as a Variant of Uncertain Significance. This sequence change replaces alanine with valine at codon 300 of the EYA4 protein (p.Ala300Val). The alanine residue is moderately conserved and there is a small physicochemical difference between alanine and valine. This variant is not present in population databases (ExAC no frequency).

NM_004100.5(EYA4):c.899C>T (p.Ala300Val)

Gene: EYA4 (EYA transcriptional coactivator and phosphatase 4; plus strand). Cytogenetic location: 6q23.2.
Variant type: single nucleotide variant.
Coding change: c.899C>T on transcript NM_004100.5 (MANE Select); coding-DNA position 899, C replaced by T.
Protein change: p.Ala300Val; replaces alanine 300 with valine.
Molecular consequence: missense variant.
Genome position (GRCh38, 1-based): chr6:133,468,660, C>T. VCF-style: chr6-133468660-C-T. GRCh37 (hg19) VCF-style: chr6-133789798-C-T.
Other names: c.737C>T, p.Ala246Val (NM_001301012.2, NM_001370459.1); c.899C>T, p.Ala300Val (NM_001301013.2, NM_172105.4); c.830C>T, p.Ala277Val (NM_001370458.1, NM_172103.4); short protein forms A300V, A246V, A277V.
Identifiers: ClinVar variation 1421412 (VCV001421412.8), dbSNP rs757252384, ClinGen allele CA365703691.
Genomic context (GRCh38, chr6:133,468,660, plus strand): 5'-AGTATGCACAGTATTATTCAGCATCAACGTATGGAGCGTATATGACATCGAATAACACAG[C>T]CGATGGCACACCCTCTTCAACCTCTACTTATCAGTTGCAGGAATCTCTCCCAGGACTGAC-3'
Protein context (NP_004091.3, residues 290-310): YGAYMTSNNT[Ala300Val]DGTPSSTSTY